The following is an entry in ClinVar:

ClinVar aggregate classification (germline): Likely benign. Review status: criteria provided, multiple submitters, no conflicts (2 of 4 stars). 3 submissions from 3 submitters: Likely benign (3). Last evaluated 2020-11-09.

Allele frequency attached by ClinVar (database versions not stated): ExAC 0.00430; gnomAD exomes 0.00524; gnomAD 0.00593.

Submissions (3):

GeneDx
Classification: Likely benign. Last evaluated: 2020-11-09. Review status: criteria provided, single submitter. Criteria: GeneDx Variant Classification Process June 2021. Collection method: clinical testing. Allele origin: germline. Affected: yes.

Center for Pediatric Genomic Medicine, Children's Mercy Hospital and Clinics
Classification: Likely benign. Last evaluated: 2016-09-20. Review status: criteria provided, single submitter. Criteria: ACMG Guidelines, 2015. Collection method: clinical testing. Allele origin: germline.
ClinVar note: Converted during submission from Likely Benign to Likely benign.

Breakthrough Genomics
Classification: Likely benign. Review status: criteria provided, single submitter. Criteria: ACMG Guidelines, 2015. Collection method: not provided. Allele origin: germline. Inheritance: Autosomal recessive inheritance. Affected: yes.

NM_020066.5(FMN2):c.2855C>G (p.Ala952Gly)

Gene: FMN2 (formin 2; plus strand). Cytogenetic location: 1q43.
Variant type: single nucleotide variant.
Coding change: c.2855C>G on transcript NM_020066.5 (MANE Select); coding-DNA position 2855, C replaced by G.
Protein change: p.Ala952Gly; replaces alanine 952 with glycine.
Molecular consequence: missense variant. On other transcripts: intron variant (1).
Genome position (GRCh38, 1-based): chr1:240,207,667, C>G. VCF-style: chr1-240207667-C-G. GRCh37 (hg19) VCF-style: chr1-240370967-C-G.
Other names: c.2867C>G, p.Ala956Gly (NM_001305424.2); c.1986+19405C>G (NM_001348094.2); short protein forms A956G, A952G.
Identifiers: ClinVar variation 377218 (VCV000377218.5), dbSNP rs200503778, ClinGen allele CA1476815.